The following is an entry in ClinVar:

ClinVar aggregate classification (germline): Uncertain significance. Review status: criteria provided, multiple submitters, no conflicts (2 of 4 stars). 3 submissions from 3 submitters: Uncertain significance (3). Last evaluated 2023-12-04.

Conditions:
Hereditary cancer-predisposing syndrome. Also called: Neoplastic Syndromes, Hereditary; Tumor predisposition; Hereditary neoplastic syndrome; Hereditary Cancer Syndrome. Identifiers: Orphanet 140162, MedGen C0027672, MeSH D009386, MONDO:0015356.

Submissions (3):

Color Diagnostics, LLC DBA Color Health
Classification: Uncertain significance for Hereditary cancer-predisposing syndrome. Last evaluated: 2023-12-04. Review status: criteria provided, single submitter. Criteria: ACMG Guidelines, 2015. Collection method: clinical testing. Allele origin: germline.
Comment: This missense variant replaces lysine with threonine at codon 888 of the MSH6 protein. Computational prediction suggests that this variant may not impact protein structure and function (internally defined REVEL score threshold <= 0.5, PMID: 27666373). To our knowledge, functional studies have not been reported for this variant. This variant has not been reported in individuals affected with MSH6-related disorders in the literature. This variant has not been identified in the general population by the Genome Aggregation Database (gnomAD). The available evidence is insufficient to determine the role of this variant in disease conclusively. Therefore, this variant is classified as a Variant of Uncertain Significance.

Ambry Genetics
Classification: Uncertain significance for Hereditary cancer-predisposing syndrome. Last evaluated: 2020-03-04. Review status: criteria provided, single submitter. Criteria: Ambry Variant Classification Scheme 2023. Collection method: clinical testing. Allele origin: germline.
Comment: The p.K888T variant (also known as c.2663A>C), located in coding exon 4 of the MSH6 gene, results from an A to C substitution at nucleotide position 2663. The lysine at codon 888 is replaced by threonine, an amino acid with similar properties. This amino acid position is not well conserved in available vertebrate species. In addition, the in silico prediction for this alteration is inconclusive. Since supporting evidence is limited at this time, the clinical significance of this alteration remains unclear.

GeneDx
Classification: Uncertain significance. Last evaluated: 2019-06-06. Review status: criteria provided, single submitter. Criteria: GeneDx Variant Classification Process June 2021. Collection method: clinical testing. Allele origin: germline. Affected: yes.
Comment: Not observed in large population cohorts (Lek et al., 2016); In silico analysis, which includes protein predictors and evolutionary conservation, supports a deleterious effect; Has not been previously published as pathogenic or benign to our knowledge

NM_000179.3(MSH6):c.2663A>C (p.Lys888Thr)

Gene: MSH6 (mutS homolog 6; plus strand). Cytogenetic location: 2p16.3.
Variant type: single nucleotide variant.
Coding change: c.2663A>C on transcript NM_000179.3 (MANE Select); coding-DNA position 2663, A replaced by C.
Protein change: p.Lys888Thr; replaces lysine 888 with threonine.
Molecular consequence: missense variant.
Genome position (GRCh38, 1-based): chr2:47,800,646, A>C. VCF-style: chr2-47800646-A-C. GRCh37 (hg19) VCF-style: chr2-48027785-A-C.
Other names: c.2273A>C, p.Lys758Thr (NM_001281492.2); c.1757A>C, p.Lys586Thr (NM_001281493.2, NM_001281494.2); short protein forms K888T, K586T, K758T.
Identifiers: ClinVar variation 629948 (VCV000629948.8), dbSNP rs1558666165, ClinGen allele CA346755210.